The following is an entry in ClinVar:

ClinVar aggregate classification (germline): Uncertain significance (1 of 4 stars; one submission).

Conditions:
Autosomal recessive limb-girdle muscular dystrophy type 2J (LGMDR10). Also called: Limb-girdle muscular dystrophy, type 2J; MUSCULAR DYSTROPHY, LIMB-GIRDLE, AUTOSOMAL RECESSIVE 10. Identifiers: Orphanet 140922, MedGen C1837342, MONDO:0012127, OMIM 608807.
Dilated cardiomyopathy 1G (CMD1G). Identifiers: Orphanet 154, MedGen C1858763, MONDO:0011400, OMIM 604145.

gnomAD v4.1: 1 of 1,606,586 alleles (0.000062%); highest among the groups gnomAD compares: African/African-American, 0.0013%; no homozygotes.

Submission:

Labcorp Genetics (formerly Invitae), Labcorp
Classification: Uncertain significance for Dilated cardiomyopathy 1G; Autosomal recessive limb-girdle muscular dystrophy type 2J. Last evaluated: 2025-11-12. Review status: criteria provided, single submitter. Criteria: Invitae Variant Classification Sherloc (09022015). Collection method: clinical testing. Allele origin: germline.
Comment: This sequence change replaces valine, which is neutral and non-polar, with glycine, which is neutral and non-polar, at codon 35802 of the TTN protein (p.Val35802Gly). This variant is present in population databases (rs377045727, gnomAD 0.007%). This variant has not been reported in the literature in individuals affected with TTN-related conditions. Experimental studies and prediction algorithms are not available or were not evaluated, and the functional significance of this variant is currently unknown. This variant is located in the M band of TTN (PMID: 25589632). Non-truncating variants in this region may be relevant for neuromuscular disorders, but have not been definitively shown to cause cardiomyopathy (PMID: 23975875). In summary, the available evidence is currently insufficient to determine the role of this variant in disease. Therefore, it has been classified as a Variant of Uncertain Significance.

Literature cited by the submitters: PubMed 25589632; PubMed 23975875.

NM_001267550.2(TTN):c.107405T>G (p.Val35802Gly)

Genes: TTN (titin; minus strand), TTN-AS1 (TTN antisense RNA 1; plus strand). Cytogenetic location: 2q31.2.
Variant type: single nucleotide variant.
Coding change: c.107405T>G on transcript NM_001267550.2 (MANE Select); coding-DNA position 107405, T replaced by G.
Protein change: p.Val35802Gly; replaces valine 35802 with glycine.
Molecular consequence: missense variant.
Genome position (GRCh38, 1-based): chr2:178,527,721, A>C on the plus strand (T>G on the coding strand, the complement: TTN is on the minus strand). VCF-style: chr2-178527721-A-C. GRCh37 (hg19) VCF-style: chr2-179392448-A-C.
Other names: c.102482T>G, p.Val34161Gly (NM_001256850.1); c.80210T>G, p.Val26737Gly (NM_003319.4); c.99701T>G, p.Val33234Gly (NM_133378.4); c.80585T>G, p.Val26862Gly (NM_133432.3); c.80786T>G, p.Val26929Gly (NM_133437.4); short protein forms V26737G, V26862G, V26929G, V35802G, V33234G, V34161G.
Identifiers: ClinVar variation 4792643 (VCV004792643.1).